The following is an entry in ClinVar:

NM_001875.5(CPS1):c.2429A>C (p.Gln810Pro)

Gene: CPS1 (carbamoyl-phosphate synthase 1; plus strand). Cytogenetic location: 2q34.
Variant type: single nucleotide variant.
Coding change: c.2429A>C on transcript NM_001875.5 (MANE Select); coding-DNA position 2429, A replaced by C.
Protein change: p.Gln810Pro; replaces glutamine 810 with proline.
Molecular consequence: missense variant. On other transcripts: non-coding transcript variant (2).
Genome position (GRCh38, 1-based): chr2:210,612,154, A>C. VCF-style: chr2-210612154-A-C. GRCh37 (hg19) VCF-style: chr2-211476878-A-C.
Other names: c.2429A>C, p.Gln810Pro (NM_001122633.3, NM_001369257.1); c.2462A>C, p.Gln821Pro (NM_001369256.1); short protein forms Q810P, Q821P.
Identifiers: ClinVar variation 4814955 (VCV004814955.1).

ClinVar aggregate classification (germline): Likely pathogenic (1 of 4 stars; one submission).

Conditions:
Congenital hyperammonemia, type I. Also called: Carbamoyl phosphate synthetase I deficiency disease; CPS I DEFICIENCY; Carbamoyl phosphate synthetase 1 deficiency; Hyperammonemia due to carbamoyl phosphate synthetase 1 deficiency; CPS 1 deficiency; Carbamyl phosphate synthetase (CPS) deficiency. Identifiers: Orphanet 147, MedGen C4082171, MONDO:0009376, OMIM 237300.

Submission:

Natera, Inc.
Classification: Likely pathogenic for Carbamoyl-phosphate synthase I deficiency. Last evaluated: 2024-08-07. Review status: criteria provided, single submitter. Criteria: Natera Variant Classification Schema (03/2026). Collection method: clinical testing. Allele origin: germline.
Comment: The c.2429A>C variant in CPS1 is a missense variant predicted to cause substitution of glutamine to proline at amino acid 810. This variant is rare in the general population with a frequency below the threshold expected for the associated phenotype(s). This variant has been observed in one or more individuals affected with the associated recessive disease, as either homozygous or compound heterozygous with a second variant (PMID: 33611823). A different variant at the same position has been determined to be Pathogenic or Likely Pathogenic. Computational prediction algorithms indicate this variant is likely to affect gene or protein function. Given the available evidence, this variant is classified as Likely Pathogenic.

Literature cited by the submitters: PubMed 33611823.